The following is an entry in ClinVar:

ClinVar aggregate classification (germline): Uncertain significance. Review status: criteria provided, multiple submitters, no conflicts (2 of 4 stars). 5 submissions from 5 submitters: Uncertain significance (4). 1 of the submissions does not count toward it. Last evaluated 2026-03-18.

Conditions:
Alport syndrome. Also called: Hemorrhagic familial nephritis; Hemorrhagic hereditary nephritis; Congenital hereditary hematuria. Identifiers: Orphanet 63, MedGen C1567741, MONDO:0018965.
Autosomal dominant Alport syndrome (ATS3A). Also called: Alport syndrome dominant type; Renal failure and sensorineural hearing loss; ALPORT SYNDROME 3A, AUTOSOMAL DOMINANT. Identifiers: Orphanet 63, Orphanet 88918, MedGen C5882663, MONDO:0007086, OMIM 104200.

Allele frequency attached by ClinVar (database versions not stated): gnomAD exomes 0.00001; gnomAD 0.00001; ExAC 0.00002; TOPMed 0.00002.
gnomAD v4.1: 10 of 1,614,088 alleles (0.00062%); highest among the groups gnomAD compares: East Asian, 0.02%; no homozygotes.

Submissions (5):

GeneDx
Classification: Uncertain significance. Last evaluated: 2026-03-18. Review status: criteria provided, single submitter. Criteria: GeneDx Variant Classification Process June 2021. Collection method: clinical testing. Allele origin: germline.
Comment: In silico analysis suggests that this missense variant does not alter protein structure/function; Has not been previously published as pathogenic or benign to our knowledge

Genesolutions, Medical Genetics Institutes, Ho Chi Minh City, Vietnam
Classification: Uncertain significance for Autosomal dominant Alport syndrome. Last evaluated: 2025-09-24. Review status: criteria provided, single submitter. Criteria: ACMG Guidelines, 2015. Collection method: clinical testing. Allele origin: germline. Affected: yes.

Labcorp Genetics (formerly Invitae), Labcorp
Classification: Uncertain significance. Last evaluated: 2025-01-29. Review status: criteria provided, single submitter. Criteria: Invitae Variant Classification Sherloc (09022015). Collection method: clinical testing. Allele origin: germline.
Comment: This sequence change replaces alanine, which is neutral and non-polar, with threonine, which is neutral and polar, at codon 1555 of the COL4A3 protein (p.Ala1555Thr). This variant is present in population databases (rs774089446, gnomAD 0.02%). This missense change has been observed in individual(s) with Alport syndrome (internal data). ClinVar contains an entry for this variant (Variation ID: 1057636). An algorithm developed to predict the effect of missense changes on protein structure and function outputs the following: PolyPhen-2: "Not Available". The threonine amino acid residue is found in multiple mammalian species, which suggests that this missense change does not adversely affect protein function. This variant disrupts the p.Ala1555 amino acid residue in COL4A3. Other variant(s) that disrupt this residue have been determined to be pathogenic (PMID: 31328266). This suggests that this residue is clinically significant, and that variants that disrupt this residue are likely to be disease-causing. In summary, the available evidence is currently insufficient to determine the role of this variant in disease. Therefore, it has been classified as a Variant of Uncertain Significance.

Blueprint Genetics
Classification: Uncertain significance. Last evaluated: 2023-10-27. Review status: criteria provided, single submitter. Criteria: ACMG Guidelines, 2015. Collection method: clinical testing. Allele origin: germline.

Natera, Inc.
Classification: Uncertain significance for Alport syndrome. Last evaluated: 2020-01-24. Review status: no assertion criteria provided. Collection method: clinical testing. Allele origin: germline. Not counted in ClinVar's aggregate classification.

Literature cited by the submitters: PubMed 31328266 (cited by Labcorp Genetics (formerly Invitae), Labcorp).

NM_000091.5(COL4A3):c.4663G>A (p.Ala1555Thr)

Genes: COL4A3 (collagen type IV alpha 3 chain; plus strand), MFF-DT (MFF divergent transcript; minus strand). Cytogenetic location: 2q36.3.
Variant type: single nucleotide variant.
Coding change: c.4663G>A on transcript NM_000091.5 (MANE Select); coding-DNA position 4663, G replaced by A.
Protein change: p.Ala1555Thr; replaces alanine 1555 with threonine.
Molecular consequence: missense variant.
Genome position (GRCh38, 1-based): chr2:227,309,226, G>A. VCF-style: chr2-227309226-G-A. GRCh37 (hg19) VCF-style: chr2-228173942-G-A.
Other names: c.4663G>A (NM_000091.4); short protein forms A1555T.
Identifiers: ClinVar variation 1057636 (VCV001057636.7), dbSNP rs774089446, ClinGen allele CA2147602.